The following is an entry in ClinVar:

NM_001999.4(FBN2):c.3241C>G (p.Pro1081Ala)

Gene: FBN2 (fibrillin 2; minus strand). Cytogenetic location: 5q23.3.
Variant type: single nucleotide variant.
Coding change: c.3241C>G on transcript NM_001999.4 (MANE Select); coding-DNA position 3241, C replaced by G.
Protein change: p.Pro1081Ala; replaces proline 1081 with alanine.
Molecular consequence: missense variant.
Genome position (GRCh38, 1-based): chr5:128,344,487, G>C on the plus strand (C>G on the coding strand, the complement: FBN2 is on the minus strand). VCF-style: chr5-128344487-G-C. GRCh37 (hg19) VCF-style: chr5-127680179-G-C.
Other names: short protein forms P1081A.
Identifiers: ClinVar variation 213396 (VCV000213396.5), dbSNP rs863223601, ClinGen allele CA323366.

ClinVar aggregate classification (germline): Uncertain significance. Review status: criteria provided, multiple submitters, no conflicts (2 of 4 stars). 2 submissions from 2 submitters: Uncertain significance (2). Last evaluated 2025-06-30.

Conditions:
Familial thoracic aortic aneurysm and aortic dissection (TAAD). Also called: Thoracic aortic aneurysms and dissections. Identifiers: Orphanet 91387, MedGen C4707243, MONDO:0019625.

Allele frequency attached by ClinVar (database versions not stated): TOPMed below 0.00001.

Submissions (2):

Ambry Genetics
Classification: Uncertain significance for Familial thoracic aortic aneurysm and aortic dissection. Last evaluated: 2025-06-30. Review status: criteria provided, single submitter. Criteria: Ambry Variant Classification Scheme 2023. Collection method: clinical testing. Allele origin: germline.
Comment: The p.P1081A variant (also known as c.3241C>G), located in coding exon 25 of the FBN2 gene, results from a C to G substitution at nucleotide position 3241. The proline at codon 1081 is replaced by alanine, an amino acid with highly similar properties. This amino acid position is well conserved in available vertebrate species. In addition, the in silico prediction for this alteration is inconclusive. Based on the available evidence, the clinical significance of this variant remains unclear.

GeneDx
Classification: Uncertain significance. Last evaluated: 2014-09-29. Review status: criteria provided, single submitter. Criteria: GeneDx Variant Classification (06012015). Collection method: clinical testing. Allele origin: germline. Affected: yes.
Comment: p.Pro1081Ala (CCT>GCT): c.3241 C>G in exon 25 of the FBN2 gene (NM_001999.3) Mutations in the FBN2 gene have been reported in 27-75% of patients with autosomal dominant congenital contracturalarachnodactyly, which is associated with a risk of aortic root dilatation (Godfrey M et al., 2012). The P1081A variant has not been published as a mutation, nor has it been reported as a benign polymorphism to our knowledge. The P1081A variant was not observed in approximately 6,500 individuals of European and African American ancestry in the NHLBI Exome Sequencing Project, indicating it is not a common benign variant in these populations. This substitution occurs at a position that is conserved within mammals. A missense mutation in a nearby residue (N1091S) has been reported in association with contractural arachnodactyly. The P1081A variant is a semi-conservative amino acid substitution, which may impact secondary protein structure as these residues differ in some properties. However, in silico analysis is inconsistent in its predictions as to whether or not the variant is damaging to the protein structure/function. Therefore, based on the currently available information, it is unclear whether this variant is a pathogenic mutation or a rare benign variant. This variant was found in TAAD